The following is an entry in ClinVar:

NM_018706.7(DHTKD1):c.293del (p.Gly98fs)

Gene: DHTKD1 (dehydrogenase E1 and transketolase domain containing 1; plus strand). Cytogenetic location: 10p14.
Variant type: Deletion.
Coding change: c.293del on transcript NM_018706.7 (MANE Select); coding-DNA position 293, one base deleted (G; older notation c.293delG).
Protein change: p.Gly98fs; shifts the reading frame from glycine 98.
Molecular consequence: frameshift variant.
Genome position (GRCh38, 1-based): chr10:12,081,610, G deleted; the last of 3 consecutive G bases (chr10:12,081,608-12,081,610); deleting any one gives the same sequence. VCF-style (leftmost placement, unchanged base first): chr10-12081607-AG-A. GRCh37 (hg19) VCF-style: chr10-12123606-AG-A.
Other names: short protein forms G98fs.
Identifiers: ClinVar variation 4704098 (VCV004704098.1).

ClinVar aggregate classification (germline): Pathogenic (1 of 4 stars; one submission).

Conditions:
2-aminoadipic 2-oxoadipic aciduria (AAKAD). Also called: ALPHA-AMINOADIPIC AND ALPHA-KETOADIPIC ACIDURIA; Aminoadipic aciduria. Identifiers: Orphanet 79154, MedGen C1859817, MONDO:0008774, OMIM 204750.

Submission:

Labcorp Genetics (formerly Invitae), Labcorp
Classification: Pathogenic for 2-aminoadipic 2-oxoadipic aciduria. Last evaluated: 2025-06-27. Review status: criteria provided, single submitter. Criteria: Invitae Variant Classification Sherloc (09022015). Collection method: clinical testing. Allele origin: germline.
Comment: This sequence change creates a premature translational stop signal (p.Gly98Aspfs*9) in the DHTKD1 gene. It is expected to result in an absent or disrupted protein product. Loss-of-function variants in DHTKD1 are known to be pathogenic (PMID: 23141293, 25860818). This variant is present in population databases (rs781305913, gnomAD 0.0009%). This variant has not been reported in the literature in individuals affected with DHTKD1-related conditions. For these reasons, this variant has been classified as Pathogenic.

Literature cited by the submitters: PubMed 23141293; PubMed 25860818.